The following is an entry in ClinVar:

NM_032382.5(COG8):c.741T>G (p.Phe247Leu)

Gene: COG8 (component of oligomeric golgi complex 8; minus strand). Cytogenetic location: 16q22.1.
Variant type: single nucleotide variant.
Coding change: c.741T>G on transcript NM_032382.5 (MANE Select); coding-DNA position 741, T replaced by G.
Protein change: p.Phe247Leu; replaces phenylalanine 247 with leucine.
Molecular consequence: missense variant.
Genome position (GRCh38, 1-based): chr16:69,335,193, A>C on the plus strand (T>G on the coding strand, the complement: COG8 is on the minus strand). VCF-style: chr16-69335193-A-C. GRCh37 (hg19) VCF-style: chr16-69369096-A-C.
Other names: c.741T>G, p.Phe247Leu (NM_001374871.1, NM_001379261.1, NM_001379262.1 and 4 more transcripts); short protein forms F247L.
Identifiers: ClinVar variation 1051538 (VCV001051538.10), dbSNP rs142530290, ClinGen allele CA8133872.

ClinVar aggregate classification (germline): Uncertain significance. Review status: criteria provided, multiple submitters, no conflicts (2 of 4 stars). 2 submissions from 2 submitters: Uncertain significance (2). Last evaluated 2024-03-20.

Conditions:
COG8-congenital disorder of glycosylation. Also called: CDG IIh; COG8-CDG. Identifiers: Orphanet 95428, MedGen C1970021, MONDO:0012635, OMIM 611182.

Allele frequency attached by ClinVar (database versions not stated): TOPMed 0.00001; gnomAD 0.00005; gnomAD exomes 0.00006 and 0.00012; ExAC 0.00008; 1000 Genomes Project 30x 0.00031; 1000 Genomes Project 0.00040.
gnomAD v4.1: 172 of 1,614,208 alleles (0.011%); highest among the groups gnomAD compares: East Asian, 0.38%; 1 homozygote.

Submissions (2):

Fulgent Genetics
Classification: Uncertain significance for COG8-congenital disorder of glycosylation. Last evaluated: 2024-03-20. Review status: criteria provided, single submitter. Criteria: ACMG Guidelines, 2015. Collection method: clinical testing. Allele origin: germline.

Labcorp Genetics (formerly Invitae), Labcorp
Classification: Uncertain significance for COG8-congenital disorder of glycosylation. Last evaluated: 2021-02-26. Review status: criteria provided, single submitter. Criteria: Invitae Variant Classification Sherloc (09022015). Collection method: clinical testing. Allele origin: germline.
Comment: This sequence change replaces phenylalanine with leucine at codon 247 of the COG8 protein (p.Phe247Leu). The phenylalanine residue is highly conserved and there is a small physicochemical difference between phenylalanine and leucine. This variant is present in population databases (rs142530290, ExAC 0.1%). This variant has not been reported in the literature in individuals with COG8-related conditions. Algorithms developed to predict the effect of missense changes on protein structure and function are either unavailable or do not agree on the potential impact of this missense change (SIFT: "Tolerated"; PolyPhen-2: "Probably Damaging"; Align-GVGD: "Class C0"). In summary, the available evidence is currently insufficient to determine the role of this variant in disease. Therefore, it has been classified as a Variant of Uncertain Significance.